The following is an entry in ClinVar:

ClinVar aggregate classification (germline): Uncertain significance (1 of 4 stars; one submission).

Conditions:
Renal cell carcinoma. Identifiers: Orphanet 217071, MedGen C0007134, MeSH D002292, MONDO:0005086, HP:0005584.

Submission:

Labcorp Genetics (formerly Invitae), Labcorp
Classification: Uncertain significance for Renal cell carcinoma. Last evaluated: 2025-03-20. Review status: criteria provided, single submitter. Criteria: Invitae Variant Classification Sherloc (09022015). Collection method: clinical testing. Allele origin: germline.
Comment: This sequence change replaces threonine, which is neutral and polar, with lysine, which is basic and polar, at codon 913 of the MET protein (p.Thr913Lys). This variant is not present in population databases (gnomAD no frequency). This variant has not been reported in the literature in individuals affected with MET-related conditions. Invitae Evidence Modeling of protein sequence and biophysical properties (such as structural, functional, and spatial information, amino acid conservation, physicochemical variation, residue mobility, and thermodynamic stability) indicates that this missense variant is not expected to disrupt MET protein function with a negative predictive value of 80%. In summary, the available evidence is currently insufficient to determine the role of this variant in disease. Therefore, it has been classified as a Variant of Uncertain Significance.

NM_000245.4(MET):c.2684C>A (p.Thr895Lys)

Gene: MET (MET proto-oncogene, receptor tyrosine kinase; plus strand). Cytogenetic location: 7q31.2.
Variant type: single nucleotide variant.
Coding change: c.2684C>A on transcript NM_000245.4 (MANE Select); coding-DNA position 2684, C replaced by A.
Protein change: p.Thr895Lys; replaces threonine 895 with lysine.
Molecular consequence: missense variant.
Genome position (GRCh38, 1-based): chr7:116,769,745, C>A. VCF-style: chr7-116769745-C-A. GRCh37 (hg19) VCF-style: chr7-116409799-C-A.
Other names: c.2738C>A, p.Thr913Lys (NM_001127500.3); c.2684C>A, p.Thr895Lys (NM_001324401.3); c.1394C>A, p.Thr465Lys (NM_001324402.2); short protein forms T465K, T895K, T913K.
Identifiers: ClinVar variation 4797700 (VCV004797700.1).
Genomic context (GRCh38, chr7:116,769,745, plus strand): 5'-TAAAAGTTGGAAATAAGAGCTGTGAGAATATACACTTACATTCTGAAGCCGTTTTATGCA[C>A]GGTCCCCAATGACCTGCTGAAATTGAACAGCGAGCTAAATATAGAGGTGGGATTCCTGCA-3'
Protein context (NP_000236.2, residues 885-905): IHLHSEAVLC[Thr895Lys]VPNDLLKLNS